The following is an entry in ClinVar:

ClinVar aggregate classification (germline): Pathogenic (1 of 4 stars; one submission).

Allele frequency attached by ClinVar (database versions not stated): TOPMed below 0.00001.
gnomAD v4.1: 4 of 1,608,528 alleles (0.00025%); highest among the groups gnomAD compares: South Asian, 0.0022%; no homozygotes.

Submission:

Labcorp Genetics (formerly Invitae), Labcorp
Classification: Pathogenic. Last evaluated: 2022-08-09. Review status: criteria provided, single submitter. Criteria: Invitae Variant Classification Sherloc (09022015). Collection method: clinical testing. Allele origin: germline.
Comment: This variant has not been reported in the literature in individuals affected with ATF6-related conditions. This variant is present in population databases (no rsID available, gnomAD 0.007%). This sequence change creates a premature translational stop signal (p.Arg484*) in the ATF6 gene. It is expected to result in an absent or disrupted protein product. Loss-of-function variants in ATF6 are known to be pathogenic (PMID: 26029869, 26063662, 26070061). For these reasons, this variant has been classified as Pathogenic.

Literature cited by the submitters: PubMed 26029869; PubMed 26063662; PubMed 26070061.

NM_007348.4(ATF6):c.1450C>T (p.Arg484Ter)

Gene: ATF6 (activating transcription factor 6; plus strand). Cytogenetic location: 1q23.3.
Variant type: single nucleotide variant.
Coding change: c.1450C>T on transcript NM_007348.4 (MANE Select); coding-DNA position 1450, C replaced by T.
Protein change: p.Arg484Ter; replaces arginine 484 with a stop codon.
Molecular consequence: nonsense.
Genome position (GRCh38, 1-based): chr1:161,853,240, C>T. VCF-style: chr1-161853240-C-T. GRCh37 (hg19) VCF-style: chr1-161823030-C-T.
Other names: c.1450C>T, p.Arg484Ter (NM_001410890.1); short protein forms R484*.
Identifiers: ClinVar variation 2121684 (VCV002121684.4), dbSNP rs889228888, ClinGen allele CA343380901.